The following is an entry in ClinVar:

NM_138713.4(NFAT5):c.1505-16_1505-15insG

Gene: NFAT5 (nuclear factor of activated T cells 5; plus strand). Cytogenetic location: 16q22.1.
Variant type: Insertion.
Coding change: c.1505-16_1505-15insG on transcript NM_138713.4 (MANE Select); 16 bases into the intron before coding-DNA position 1505 through 15 bases into the intron before coding-DNA position 1505, G inserted.
Molecular consequence: intron variant.
Genome position: GRCh38 VCF-style: chr16-69670220-T-TG. GRCh37 (hg19) VCF-style: chr16-69704123-T-TG.
Other names: c.1223-16_1223-15insG (NM_138714.4, NM_173214.3, NM_173215.3); c.1505-16_1505-15insG (NM_001113178.3); c.1451-16_1451-15insG (NM_006599.4); c.833-16_833-15insG (NM_001367709.1).
Identifiers: ClinVar variation 2628281 (VCV002628281.2), dbSNP rs1555530931, ClinGen allele CA283360972.

ClinVar aggregate classification (germline): Benign (1 of 4 stars; one submission).

Allele frequency attached by ClinVar (database versions not stated): gnomAD exomes below 0.00001.

Submission:

Unidad de Genómica Garrahan, Hospital de Pediatría Garrahan
Classification: Benign. Last evaluated: 2023-11-12. Review status: criteria provided, single submitter. Criteria: ACMG Guidelines, 2015. Collection method: clinical testing. Allele origin: germline. Affected: no. Observed: 21 variant alleles.
Comment: This variant is classified as Benign based on local population frequency. This variant was detected in 22% of patients studied by a panel of primary immunodeficiencies. Number of patients: 21. Only high quality variants are reported.